The following is an entry in ClinVar:

ClinVar aggregate classification (germline): Uncertain significance (1 of 4 stars; one submission).

Conditions:
Hereditary cancer-predisposing syndrome. Also called: Tumor predisposition; Neoplastic Syndromes, Hereditary; Hereditary neoplastic syndrome; Hereditary Cancer Syndrome. Identifiers: Orphanet 140162, MedGen C0027672, MeSH D009386, MONDO:0015356.

Submission:

Ambry Genetics
Classification: Uncertain significance for Hereditary cancer-predisposing syndrome. Last evaluated: 2025-07-30. Review status: criteria provided, single submitter. Criteria: Ambry Variant Classification Scheme 2023. Collection method: clinical testing. Allele origin: germline.
Comment: The c.247_248delGAinsAG variant (also known as p.E83R), located in coding exon 1 of the MET gene, results from an in-frame deletion of GA and insertion of AG at nucleotide positions 247 to 248. This results in the substitution of the glutamic acid residue for an arginine residue at codon 83, an amino acid with similar properties. This amino acid position is well conserved in available vertebrate species. Based on the available evidence, the clinical significance of this variant remains unclear.

NM_000245.4(MET):c.247_248delinsAG (p.Glu83Arg)

Gene: MET (MET proto-oncogene, receptor tyrosine kinase; plus strand). Cytogenetic location: 7q31.2.
Variant type: Indel.
Coding change: c.247_248delinsAG on transcript NM_000245.4 (MANE Select); coding-DNA positions 247 to 248, GA replaced by AG.
Protein change: p.Glu83Arg; replaces glutamic acid 83 with arginine.
Molecular consequence: missense variant. On other transcripts: intron variant (1).
Genome position (GRCh38, 1-based): chr7:116,699,331-116,699,332, GA replaced by AG. VCF-style: chr7-116699331-GA-AG. GRCh37 (hg19) VCF-style: chr7-116339385-GA-AG.
Other names: c.247_248delinsAG, p.Glu83Arg (NM_001127500.3, NM_001324401.3); c.-91+26754_-91+26755delinsAG (NM_001324402.2); short protein forms E83R.
Identifiers: ClinVar variation 4106726 (VCV004106726.1).
Genomic context (GRCh38, chr7:116,699,331, plus strand): 5'-TTCCTTGGTGCCACTAACTACATTTATGTTTTAAATGAGGAAGACCTTCAGAAGGTTGCT[GA>AG]GTACAAGACTGGGCCTGTGCTGGAACACCCAGATTGTTTCCCATGTCAGGACTGCAGCAG-3'
Protein context (NP_000236.2, residues 73-93): LNEEDLQKVA[Glu83Arg]YKTGPVLEHP